The following is an entry in ClinVar:

ClinVar aggregate classification (germline): Uncertain significance. Review status: criteria provided, multiple submitters, no conflicts (2 of 4 stars). 2 submissions from 2 submitters: Uncertain significance (2). Last evaluated 2026-01-01.

Conditions:
Inborn genetic diseases. Identifiers: MedGen C0950123, MeSH D030342.

Allele frequency attached by ClinVar (database versions not stated): gnomAD exomes below 0.00001; TOPMed below 0.00001; gnomAD 0.00001.
gnomAD v4.1: 6 of 1,207,410 alleles (0.0005%); highest among the groups gnomAD compares: Non-Finnish European, 0.00067%; no homozygotes.

Submissions (2):

Labcorp Genetics (formerly Invitae), Labcorp
Classification: Uncertain significance. Last evaluated: 2026-01-01. Review status: criteria provided, single submitter. Criteria: Invitae Variant Classification Sherloc (09022015). Collection method: clinical testing. Allele origin: germline.
Comment: This sequence change replaces phenylalanine, which is neutral and non-polar, with serine, which is neutral and polar, at codon 158 of the BRWD3 protein (p.Phe158Ser). This variant is not present in population databases (gnomAD no frequency). This missense change has been observed in individual(s) with BRWD3-related neurodevelopmental conditions (PMID: 36414205). ClinVar contains an entry for this variant (Variation ID: 985829). Invitae Evidence Modeling of protein sequence and biophysical properties (such as structural, functional, and spatial information, amino acid conservation, physicochemical variation, residue mobility, and thermodynamic stability) indicates that this missense variant is not expected to disrupt BRWD3 protein function with a negative predictive value of 80%. In summary, the available evidence is currently insufficient to determine the role of this variant in disease. Therefore, it has been classified as a Variant of Uncertain Significance.

Ambry Genetics
Classification: Uncertain significance for Inborn genetic diseases. Last evaluated: 2024-12-18. Review status: criteria provided, single submitter. Criteria: Ambry Variant Classification Scheme 2023. Collection method: clinical testing. Allele origin: germline.
Comment: The c.473T>C (p.F158S) alteration is located in coding exon 7 of the BRWD3 gene. This alteration results from a T to C substitution at nucleotide position 473, causing the phenylalanine (F) at amino acid position 158 to be replaced by a serine (S). This variant was not reported in population-based cohorts in the Genome Aggregation Database (gnomAD). This variant was reported in an individual with features consistent with BRWD3-related neurodevelopmental disorder (Delanne, 2023). This amino acid position is well conserved in available vertebrate species. The in silico prediction for this alteration is inconclusive. Based on insufficient or conflicting evidence, the clinical significance of this alteration remains unclear.

Literature cited by the submitters: PubMed 36414205 (cited by Labcorp Genetics (formerly Invitae), Labcorp).

NM_153252.5(BRWD3):c.473T>C (p.Phe158Ser)

Gene: BRWD3 (bromodomain and WD repeat domain containing 3; minus strand). Cytogenetic location: Xq21.1.
Variant type: single nucleotide variant.
Coding change: c.473T>C on transcript NM_153252.5 (MANE Select); coding-DNA position 473, T replaced by C.
Protein change: p.Phe158Ser; replaces phenylalanine 158 with serine.
Molecular consequence: missense variant.
Genome position (GRCh38, 1-based): chrX:80,745,687, A>G on the plus strand (T>C on the coding strand, the complement: BRWD3 is on the minus strand). VCF-style: chrX-80745687-A-G. GRCh37 (hg19) VCF-style: chrX-80001186-A-G.
Other names: short protein forms F158S.
Identifiers: ClinVar variation 985829 (VCV000985829.5), dbSNP rs1189770333, ClinGen allele CA413607624.